The following is an entry in ClinVar:

NM_005154.5(USP8):c.286A>C (p.Lys96Gln)

Gene: USP8 (ubiquitin specific peptidase 8; plus strand). Cytogenetic location: 15q21.2.
Variant type: single nucleotide variant.
Coding change: c.286A>C on transcript NM_005154.5 (MANE Select); coding-DNA position 286, A replaced by C.
Protein change: p.Lys96Gln; replaces lysine 96 with glutamine.
Molecular consequence: missense variant. On other transcripts: intron variant (1).
Genome position (GRCh38, 1-based): chr15:50,449,436, A>C. VCF-style: chr15-50449436-A-C. GRCh37 (hg19) VCF-style: chr15-50741633-A-C.
Other names: c.286A>C, p.Lys96Gln (NM_001128610.3); c.105-9564A>C (NM_001283049.2); short protein forms K96Q.
Identifiers: ClinVar variation 3730337 (VCV003730337.2).

ClinVar aggregate classification (germline): Uncertain significance (1 of 4 stars; one submission).

Conditions:
Hereditary spastic paraplegia. Also called: Familial spastic paraparesis. Identifiers: Orphanet 685, MedGen C0037773, MONDO:0019064. Disease mechanism: loss of function.

gnomAD v4.1: 10 of 1,596,592 alleles (0.00063%); highest among the groups gnomAD compares: Non-Finnish European, 0.00085%; no homozygotes.

Submission:

Labcorp Genetics (formerly Invitae), Labcorp
Classification: Uncertain significance for Hereditary spastic paraplegia. Last evaluated: 2025-03-31. Review status: criteria provided, single submitter. Criteria: Invitae Variant Classification Sherloc (09022015). Collection method: clinical testing. Allele origin: germline.
Comment: This sequence change replaces lysine, which is basic and polar, with glutamine, which is neutral and polar, at codon 96 of the USP8 protein (p.Lys96Gln). This variant is present in population databases (no rsID available, gnomAD 0.0009%). This variant has not been reported in the literature in individuals affected with USP8-related conditions. An algorithm developed to predict the effect of missense changes on protein structure and function (PolyPhen-2) suggests that this variant is likely to be tolerated. In summary, the available evidence is currently insufficient to determine the role of this variant in disease. Therefore, it has been classified as a Variant of Uncertain Significance.